The following is an entry in ClinVar:

ClinVar aggregate classification (germline): Uncertain significance (1 of 4 stars; one submission).

Conditions:
Catecholaminergic polymorphic ventricular tachycardia 1. Also called: VENTRICULAR TACHYCARDIA, CATECHOLAMINERGIC POLYMORPHIC, 1, WITH OR WITHOUT ATRIAL DYSFUNCTION AND/OR DILATED CARDIOMYOPATHY; RYR2-Related Catecholaminergic Polymorphic Ventricular Tachycardia; VENTRICULAR TACHYCARDIA, STRESS-INDUCED POLYMORPHIC 1. Identifiers: Orphanet 3286, MedGen C1631597, MONDO:0011484, OMIM 604772.

gnomAD v4.1: 3 of 1,608,546 alleles (0.00019%); highest among the groups gnomAD compares: Admixed American, 0.0034%; no homozygotes.

Submission:

Labcorp Genetics (formerly Invitae), Labcorp
Classification: Uncertain significance for Catecholaminergic polymorphic ventricular tachycardia 1. Last evaluated: 2020-12-04. Review status: criteria provided, single submitter. Criteria: Invitae Variant Classification Sherloc (09022015). Collection method: clinical testing. Allele origin: germline.
Comment: This sequence change falls in intron 36 of the RYR2 gene. It does not directly change the encoded amino acid sequence of the RYR2 protein. It affects a nucleotide within the consensus splice site of the intron. This variant is not present in population databases (ExAC no frequency). This variant has not been reported in the literature in individuals with RYR2-related conditions. Nucleotide substitutions within the consensus splice site are a relatively common cause of aberrant splicing (PMID: 17576681, 9536098). Algorithms developed to predict the effect of sequence changes on RNA splicing suggest that this variant may disrupt the consensus splice site, but this prediction has not been confirmed by published transcriptional studies. In summary, the available evidence is currently insufficient to determine the role of this variant in disease. Therefore, it has been classified as a Variant of Uncertain Significance.

Literature cited by the submitters: PubMed 17576681; PubMed 9536098.

NM_001035.3(RYR2):c.4910+3C>T

Gene: RYR2 (ryanodine receptor 2; plus strand). Cytogenetic location: 1q43.
Variant type: single nucleotide variant.
Coding change: c.4910+3C>T on transcript NM_001035.3 (MANE Select); 3 bases into the intron after coding-DNA position 4910, C replaced by T.
Molecular consequence: intron variant.
Genome position (GRCh38, 1-based): chr1:237,610,991, C>T. VCF-style: chr1-237610991-C-T. GRCh37 (hg19) VCF-style: chr1-237774291-C-T.
Identifiers: ClinVar variation 2075736 (VCV002075736.1), dbSNP rs757198624, ClinGen allele CA529912729.
Genomic context (GRCh38, chr1:237,610,991, plus strand): 5'-TGGTGCAGTGTTTGGATCCTCTGCAGTTCATGTCTCTTCATATCCCTGAGGAAAACAGGT[C>T]AGCCCCAGTGAATCCCTGACATTCTGATTGGGACGCTTGGGATTAGCCTGCTGCCCGGGG-3'